The following is an entry in ClinVar:

NM_014314.4(RIGI):c.385G>C (p.Glu129Gln)

Gene: RIGI (RNA sensor RIG-I; minus strand). Cytogenetic location: 9p21.1.
Variant type: single nucleotide variant.
Coding change: c.385G>C on transcript NM_014314.4 (MANE Select); coding-DNA position 385, G replaced by C.
Protein change: p.Glu129Gln; replaces glutamic acid 129 with glutamine.
Molecular consequence: missense variant. On other transcripts: 5 prime UTR variant (3).
Genome position (GRCh38, 1-based): chr9:32,493,799, C>G on the plus strand (G>C on the coding strand, the complement: RIGI is on the minus strand). VCF-style: chr9-32493799-C-G. GRCh37 (hg19) VCF-style: chr9-32493797-C-G.
Other names: c.-70G>C (NM_001385910.1, NM_001385914.1); c.-77G>C (NM_001385912.1); c.385G>C, p.Glu129Gln (NM_001385913.1, NM_001385907.1, NM_001385909.1); short protein forms E129Q.
Identifiers: ClinVar variation 2808316 (VCV002808316.3), dbSNP rs2489341256, ClinGen allele CA373164593.

ClinVar aggregate classification (germline): Uncertain significance (1 of 4 stars; one submission).

Submission:

Labcorp Genetics (formerly Invitae), Labcorp
Classification: Uncertain significance. Last evaluated: 2023-03-20. Review status: criteria provided, single submitter. Criteria: Invitae Variant Classification Sherloc (09022015). Collection method: clinical testing. Allele origin: germline.
Comment: In summary, the available evidence is currently insufficient to determine the role of this variant in disease. Therefore, it has been classified as a Variant of Uncertain Significance. Algorithms developed to predict the effect of missense changes on protein structure and function output the following: SIFT: "Not Available"; PolyPhen-2: "Benign"; Align-GVGD: "Not Available". The glutamine amino acid residue is found in multiple mammalian species, which suggests that this missense change does not adversely affect protein function. This variant has not been reported in the literature in individuals affected with DDX58-related conditions. This variant is not present in population databases (gnomAD no frequency). This sequence change replaces glutamic acid, which is acidic and polar, with glutamine, which is neutral and polar, at codon 129 of the DDX58 protein (p.Glu129Gln).